The following is an entry in ClinVar:

ClinVar aggregate classification (germline): Conflicting classifications of pathogenicity. Review status: criteria provided, conflicting classifications (1 of 4 stars). 8 submissions from 8 submitters: Uncertain significance (7); Likely benign (1). Last evaluated 2026-01-22.

Conditions:
VPS33B-related disorder. Also called: VPS33B-related condition.
Keratoderma-ichthyosis-deafness syndrome, autosomal recessive (KDIDAR). Identifiers: MedGen C5774200, MONDO:0859278, OMIM 620009.
Cholestasis, progressive familial intrahepatic, 12 (PFIC12). Also called: CHOLESTASIS, ISOLATED LOW-GGT. Identifiers: MedGen C5774311, MONDO:0031040, OMIM 620010.
Arthrogryposis, renal dysfunction, and cholestasis 1 (ARCS1). Identifiers: Orphanet 2697, MedGen C1859722, MONDO:0008822, OMIM 208085.

Allele frequency attached by ClinVar (database versions not stated): gnomAD exomes 0.00002 and 0.00004; gnomAD 0.00003 and 0.00004; TOPMed 0.00003.
gnomAD v4.1: 69 of 1,614,030 alleles (0.0043%); highest among the groups gnomAD compares: Middle Eastern, 0.67%; no homozygotes.

Submissions (8):

PreventionGenetics, part of Exact Sciences
Classification: Uncertain significance for VPS33B-related condition. Last evaluated: 2026-01-22. Review status: criteria provided, single submitter. Criteria: ACMG Guidelines, 2015. Collection method: clinical testing. Allele origin: germline.
Comment: The VPS33B c.1780A>G variant is predicted to result in the amino acid substitution p.Arg594Gly. This variant has been reported in the heterozygous state in an individual with a bleeding diathesis who was also homozygous for a variant in HPS5 (Boeckelmann et al. 2022. PubMed ID: 35126127). This variant is reported in 0.0023% of alleles in individuals of European (Non-Finnish) descent in gnomAD. At this time, the clinical significance of this variant is uncertain due to the absence of conclusive functional and genetic evidence.

Blueprint Genetics
Classification: Uncertain significance. Last evaluated: 2024-10-16. Review status: criteria provided, single submitter. Criteria: ACMG Guidelines, 2015. Collection method: clinical testing. Allele origin: germline.

Fulgent Genetics
Classification: Uncertain significance for Arthrogryposis, renal dysfunction, and cholestasis 1; Keratoderma-ichthyosis-deafness syndrome, autosomal recessive; Cholestasis, progressive familial intrahepatic, 12. Last evaluated: 2024-02-23. Review status: criteria provided, single submitter. Criteria: ACMG Guidelines, 2015. Collection method: clinical testing. Allele origin: germline.

Mayo Clinic Laboratories, Mayo Clinic
Classification: Uncertain significance. Last evaluated: 2023-08-30. Review status: criteria provided, single submitter. Criteria: ACMG Guidelines, 2015. Collection method: clinical testing. Allele origin: germline. Observed: 1 variant allele.

Revvity Omics, Revvity
Classification: Uncertain significance. Last evaluated: 2023-02-14. Review status: criteria provided, single submitter. Criteria: ACMG Guidelines, 2015. Collection method: clinical testing. Allele origin: germline.

CeGaT Center for Human Genetics Tuebingen
Classification: Uncertain significance. Last evaluated: 2022-07-01. Review status: criteria provided, single submitter. Criteria: CeGaT Center For Human Genetics Tuebingen Variant Classification Criteria Version 2. Collection method: clinical testing. Allele origin: germline. Affected: yes. Observed: 1 variant allele.
Comment: VPS33B: PM2, BP4

Baylor Genetics
Classification: Uncertain significance for Arthrogryposis, renal dysfunction, and cholestasis 1. Last evaluated: 2019-11-08. Review status: criteria provided, single submitter. Criteria: ACMG Guidelines, 2015. Collection method: clinical testing. Allele origin: unknown. Affected: yes.
Comment: This variant was determined to be of uncertain significance according to ACMG Guidelines, 2015 [PMID:25741868].

Pathology and Clinical Laboratory Medicine, King Fahad Medical City
Classification: Likely benign. Review status: criteria provided, single submitter. Criteria: ACMG Guidelines, 2015. Collection method: clinical testing. Allele origin: germline. Affected: no. Observed: 3 variant alleles.

Literature cited by the submitters: PubMed 35126127 (cited by Mayo Clinic Laboratories, Mayo Clinic).

NM_018668.5(VPS33B):c.1780A>G (p.Arg594Gly)

Gene: VPS33B (VPS33B late endosome and lysosome associated; minus strand). Cytogenetic location: 15q26.1.
Variant type: single nucleotide variant.
Coding change: c.1780A>G on transcript NM_018668.5 (MANE Select); coding-DNA position 1780, A replaced by G.
Protein change: p.Arg594Gly; replaces arginine 594 with glycine.
Molecular consequence: missense variant.
Genome position (GRCh38, 1-based): chr15:90,999,049, T>C on the plus strand (A>G on the coding strand, the complement: VPS33B is on the minus strand). VCF-style: chr15-90999049-T-C. GRCh37 (hg19) VCF-style: chr15-91542279-T-C.
Other names: p.Arg594Gly; c.1699A>G, p.Arg567Gly (NM_001289148.1); c.1507A>G, p.Arg503Gly (NM_001289149.1); c.1780A>G (NM_018668.4); short protein forms R567G, R594G, R503G.
Identifiers: ClinVar variation 1028605 (VCV001028605.39), dbSNP rs868354713, ClinGen allele CA274808566.